The following is an entry in ClinVar:

NM_015599.3(PGM3):c.1487G>A (p.Arg496Gln)

Genes: DOP1A (DOP1 leucine zipper like protein A; plus strand), PGM3 (phosphoglucomutase 3; minus strand). Cytogenetic location: 6q14.1.
Variant type: single nucleotide variant.
Coding change: c.1487G>A on transcript NM_015599.3 (MANE Select); coding-DNA position 1487, G replaced by A.
Protein change: p.Arg496Gln; replaces arginine 496 with glutamine.
Molecular consequence: missense variant. On other transcripts: non-coding transcript variant (2).
Genome position (GRCh38, 1-based): chr6:83,170,357, C>T on the plus strand (G>A on the coding strand, the complement: PGM3 is on the minus strand). VCF-style: chr6-83170357-C-T. GRCh37 (hg19) VCF-style: chr6-83880076-C-T.
Other names: c.1571G>A, p.Arg524Gln (NM_001199917.2, NM_001367287.1); c.1244G>A, p.Arg415Gln (NM_001199918.2); c.1487G>A, p.Arg496Gln (NM_001199919.2); c.1364G>A, p.Arg455Gln (NM_001367286.1); short protein forms R524Q, R415Q, R455Q, R496Q.
Identifiers: ClinVar variation 1502277 (VCV001502277.8), dbSNP rs1447955006, ClinGen allele CA364878360.

ClinVar aggregate classification (germline): Uncertain significance (1 of 4 stars; one submission).

Conditions:
Immunodeficiency 23 (IMD23). Also called: IMMUNODEFICIENCY WITH HYPER IgE AND COGNITIVE IMPAIRMENT; IMMUNODEFICIENCY-VASCULITIS-MYOCLONUS SYNDROME. Identifiers: Orphanet 443811, MedGen C4014371, MONDO:0014353, OMIM 615816.

Allele frequency attached by ClinVar (database versions not stated): gnomAD exomes below 0.00001 and 0.00001.
gnomAD v4.1: 3 of 1,614,104 alleles (0.00019%); highest among the groups gnomAD compares: Non-Finnish European, 0.00017%; no homozygotes.

Submission:

Labcorp Genetics (formerly Invitae), Labcorp
Classification: Uncertain significance for Immunodeficiency 23. Last evaluated: 2025-09-29. Review status: criteria provided, single submitter. Criteria: Invitae Variant Classification Sherloc (09022015). Collection method: clinical testing. Allele origin: germline.
Comment: This sequence change replaces arginine, which is basic and polar, with glutamine, which is neutral and polar, at codon 524 of the PGM3 protein (p.Arg524Gln). This variant is present in population databases (no rsID available, gnomAD 0.006%). This variant has not been reported in the literature in individuals affected with PGM3-related conditions. ClinVar contains an entry for this variant (Variation ID: 1502277). An algorithm developed to predict the effect of missense changes on protein structure and function (PolyPhen-2) suggests that this variant is likely to be disruptive. In summary, the available evidence is currently insufficient to determine the role of this variant in disease. Therefore, it has been classified as a Variant of Uncertain Significance.